The following is an entry in ClinVar:

ClinVar aggregate classification (germline): Uncertain significance (1 of 4 stars; one submission).

Conditions:
Cardiovascular phenotype. Identifiers: MedGen CN230736.

Submission:

Ambry Genetics
Classification: Uncertain significance for Cardiovascular phenotype. Last evaluated: 2023-08-29. Review status: criteria provided, single submitter. Criteria: Ambry Variant Classification Scheme 2023. Collection method: clinical testing. Allele origin: germline.
Comment: The p.I17V variant (also known as c.49A>G), located in coding exon 1 of the KCNJ8 gene, results from an A to G substitution at nucleotide position 49. The isoleucine at codon 17 is replaced by valine, an amino acid with highly similar properties. This amino acid position is not well conserved in available vertebrate species. In addition, this alteration is predicted to be tolerated by in silico analysis. Since supporting evidence is limited at this time, the clinical significance of this alteration remains unclear.

NM_004982.4(KCNJ8):c.49A>G (p.Ile17Val)

Genes: KCNJ8 (potassium inwardly rectifying channel subfamily J member 8; minus strand), KCNJ8-AS1 (KCNJ8 antisense RNA 1; plus strand). Cytogenetic location: 12p12.1.
Variant type: single nucleotide variant.
Coding change: c.49A>G on transcript NM_004982.4 (MANE Select); coding-DNA position 49, A replaced by G.
Protein change: p.Ile17Val; replaces isoleucine 17 with valine.
Molecular consequence: missense variant.
Genome position (GRCh38, 1-based): chr12:21,773,568, T>C on the plus strand (A>G on the coding strand, the complement: KCNJ8 is on the minus strand). VCF-style: chr12-21773568-T-C. GRCh37 (hg19) VCF-style: chr12-21926502-T-C.
Other names: short protein forms I17V.
Identifiers: ClinVar variation 2586229 (VCV002586229.2), dbSNP rs2540728829, ClinGen allele CA384132655.
Genomic context (GRCh38, chr12:21,773,568, plus strand): 5'-TGAAGCGGGCTTTGGGGAGGCGGTCTCGGATGCGCGGCTTGCGCAGGTTCTCTGCGGCGA[T>C]GCGCGCCAGCACATACTCCTCCGGGATGATACTCTTTCTGGCCAACATCGTCCTGTCACC-3'
Protein context (NP_004973.1, residues 7-27): IIPEEYVLAR[Ile17Val]AAENLRKPRI